The following is an entry in ClinVar:

ClinVar aggregate classification (germline): Benign. Review status: criteria provided, multiple submitters, no conflicts (2 of 4 stars). 7 submissions from 7 submitters: Benign (4). 3 of the submissions do not count toward it. Last evaluated 2026-02-02.

Conditions:
LAMA2-related muscular dystrophy (LAMA2-RD). Also called: Laminin alpha 2-related dystrophy. Identifiers: MedGen C5679788, MONDO:0100228.
Congenital muscular dystrophy due to partial LAMA2 deficiency. Identifiers: MedGen C1842898.

Allele frequency attached by ClinVar (database versions not stated): gnomAD exomes 0.00253 and 0.00671; ExAC 0.00815; gnomAD 0.02608 and 0.02812; TOPMed 0.02924; ESP Exome Variant Server 0.02983; 1000 Genomes Project 0.03035; 1000 Genomes Project 30x 0.03092.
gnomAD v4.1: 7,841 of 1,613,896 alleles (0.49%); highest among the groups gnomAD compares: African/African-American, 9.2%; 342 homozygotes.

Submissions (7):

Labcorp Genetics (formerly Invitae), Labcorp
Classification: Benign for LAMA2-related muscular dystrophy. Last evaluated: 2026-02-02. Review status: criteria provided, single submitter. Criteria: Invitae Variant Classification Sherloc (09022015). Collection method: clinical testing. Allele origin: germline.

Mayo Clinic Laboratories, Mayo Clinic
Classification: Benign. Last evaluated: 2019-07-11. Review status: criteria provided, single submitter. Criteria: ACMG Guidelines, 2015. Collection method: clinical testing. Allele origin: germline. Observed: 37 variant alleles.

Illumina Laboratory Services, Illumina
Classification: Benign for Congenital muscular dystrophy due to partial LAMA2 deficiency. Last evaluated: 2018-01-12. Review status: criteria provided, single submitter. Criteria: ICSL Variant Classification Criteria 13 December 2019. Collection method: clinical testing. Allele origin: germline.
Comment: This variant was observed in the ICSL laboratory as part of a predisposition screen in an ostensibly healthy population. It had not been previously curated by ICSL or reported in the Human Gene Mutation Database (HGMD: prior to June 1st, 2018), and was therefore a candidate for classification through an automated scoring system. Utilizing variant allele frequency, disease prevalence and penetrance estimates, and inheritance mode, an automated score was calculated to assess if this variant is too frequent to cause the disease. Based on the score and internal cut-off values, a variant classified as benign is not then subjected to further curation. The score for this variant resulted in a classification of benign for this disease.

GeneDx
Classification: Benign. Last evaluated: 2016-03-21. Review status: criteria provided, single submitter. Criteria: GeneDx Variant Classification (06012015). Collection method: clinical testing. Allele origin: germline. Affected: yes.
Comment: This variant is considered likely benign or benign based on one or more of the following criteria: it is a conservative change, it occurs at a poorly conserved position in the protein, it is predicted to be benign by multiple in silico algorithms, and/or has population frequency not consistent with disease.

Clinical Genetics, Academic Medical Center
Classification: Benign. Review status: no assertion criteria provided. Collection method: clinical testing. Allele origin: germline. Affected: yes. Study: VKGL Data-share Consensus. Not counted in ClinVar's aggregate classification.

Genetic Services Laboratory, University of Chicago
Classification: Likely benign for AllHighlyPenetrant. Review status: no assertion criteria provided. Collection method: clinical testing. Allele origin: germline. Inheritance: Autosomal recessive inheritance. Not counted in ClinVar's aggregate classification.
Comment: Likely benign based on allele frequency in 1000 Genomes Project or ESP global frequency and its presence in a patient with a rare or unrelated disease phenotype. NOT Sanger confirmed.

Joint Genome Diagnostic Labs from Nijmegen and Maastricht, Radboudumc and MUMC+
Classification: Benign. Review status: no assertion criteria provided. Collection method: clinical testing. Allele origin: germline. Affected: yes. Study: VKGL Data-share Consensus. Not counted in ClinVar's aggregate classification.

NM_000426.4(LAMA2):c.6167C>A (p.Thr2056Lys)

Genes: LAMA2 (laminin subunit alpha 2; plus strand), LOC123864065 (Sharpr-MPRA regulatory region 661; plus strand). Cytogenetic location: 6q22.33.
Variant type: single nucleotide variant.
Coding change: c.6167C>A on transcript NM_000426.4 (MANE Select); coding-DNA position 6167, C replaced by A.
Protein change: p.Thr2056Lys; replaces threonine 2056 with lysine.
Molecular consequence: missense variant.
Genome position (GRCh38, 1-based): chr6:129,440,897, C>A. VCF-style: chr6-129440897-C-A. GRCh37 (hg19) VCF-style: chr6-129762042-C-A.
Other names: p.Thr2056Lys; c.6167C>A, p.Thr2056Lys (NM_001079823.2); short protein forms T2056K.
Identifiers: ClinVar variation 129439 (VCV000129439.24), dbSNP rs73775407, ClinGen allele CA153442.